The following is an entry in ClinVar:

NM_001128148.3(TFRC):c.1219G>A (p.Ala407Thr)

Gene: TFRC (transferrin receptor; minus strand). Cytogenetic location: 3q29.
Variant type: single nucleotide variant.
Coding change: c.1219G>A on transcript NM_001128148.3 (MANE Select); coding-DNA position 1219, G replaced by A.
Protein change: p.Ala407Thr; replaces alanine 407 with threonine.
Molecular consequence: missense variant.
Genome position (GRCh38, 1-based): chr3:196,064,408, C>T on the plus strand (G>A on the coding strand, the complement: TFRC is on the minus strand). VCF-style: chr3-196064408-C-T. GRCh37 (hg19) VCF-style: chr3-195791279-C-T.
Other names: c.976G>A, p.Ala326Thr (NM_001313965.2); c.373G>A, p.Ala125Thr (NM_001313966.2); c.1219G>A, p.Ala407Thr (NM_003234.4); short protein forms A326T, A407T, A125T.
Identifiers: ClinVar variation 708324 (VCV000708324.12), dbSNP rs184956956, ClinGen allele CA2777984.

ClinVar aggregate classification (germline): Likely benign. Review status: criteria provided, multiple submitters, no conflicts (2 of 4 stars). 3 submissions from 3 submitters: Likely benign (3). Last evaluated 2026-04-09.

Allele frequency attached by ClinVar (database versions not stated): gnomAD exomes 0.00004 and 0.00030; gnomAD 0.00009 and 0.00010; TOPMed 0.00017; ExAC 0.00030; 1000 Genomes Project 0.00060; 1000 Genomes Project 30x 0.00062.
gnomAD v4.1: 126 of 1,606,510 alleles (0.0078%); highest among the groups gnomAD compares: East Asian, 0.15%; 1 homozygote.

Submissions (3):

Women's Health and Genetics/Laboratory Corporation of America, LabCorp
Classification: Likely benign. Last evaluated: 2026-04-09. Review status: criteria provided, single submitter. Criteria: LabCorp Variant Classification Summary - May 2015. Collection method: clinical testing. Allele origin: germline.
Comment: Variant summary: TFRC c.1219G>A (p.Ala407Thr) results in a non-conservative amino acid change in the encoded protein sequence. Algorithms developed to predict the effect of missense changes on protein structure and function all suggest that this variant is likely to be disruptive. The variant allele was found at a frequency of 0.0003 in 241810 control chromosomes, predominantly at a frequency of 0.0038 within the East Asian subpopulation in the gnomAD database, including 1 homozygotes. The observed variant frequency within East Asian control individuals in the gnomAD database exceeds the estimated maximal expected allele frequency for disease-causing variants in TFRC. To our knowledge, no occurrence of c.1219G>A in individuals affected with TFRC-related conditions and no experimental evidence demonstrating its impact on protein function have been reported. ClinVar contains an entry for this variant (Variation ID: 708324). Based on the evidence outlined above, the variant was classified as likely benign.

Labcorp Genetics (formerly Invitae), Labcorp
Classification: Likely benign. Last evaluated: 2026-02-01. Review status: criteria provided, single submitter. Criteria: Invitae Variant Classification Sherloc (09022015). Collection method: clinical testing. Allele origin: germline.

Blueprint Genetics
Classification: Likely benign. Last evaluated: 2023-11-30. Review status: criteria provided, single submitter. Criteria: ACMG Guidelines, 2015. Collection method: clinical testing. Allele origin: germline.